The following is an entry in ClinVar:

NM_003119.4(SPG7):c.860T>C (p.Phe287Ser)

Gene: SPG7 (SPG7 matrix AAA peptidase subunit, paraplegin; plus strand). Cytogenetic location: 16q24.3.
Variant type: single nucleotide variant.
Coding change: c.860T>C on transcript NM_003119.4 (MANE Select); coding-DNA position 860, T replaced by C.
Protein change: p.Phe287Ser; replaces phenylalanine 287 with serine.
Molecular consequence: missense variant.
Genome position (GRCh38, 1-based): chr16:89,529,578, T>C. VCF-style: chr16-89529578-T-C. GRCh37 (hg19) VCF-style: chr16-89595986-T-C.
Other names: c.860T>C, p.Phe287Ser (NM_001363850.1, NM_199367.3); short protein forms F287S.
Identifiers: ClinVar variation 4711746 (VCV004711746.1).

ClinVar aggregate classification (germline): Uncertain significance (1 of 4 stars; one submission).

Conditions:
Hereditary spastic paraplegia 7 (SPG7). Also called: SPASTIC PARAPLEGIA 7, AUTOSOMAL RECESSIVE, WITH OR WITHOUT CEREBELLAR ATAXIA; SPG7-related neurologic disorder; Spastic paraplegia 7; Hereditary spastic paraplegia Paraplegin type; Autosomal recessive spastic paraplegia type 7. Identifiers: Orphanet 99013, MedGen C1846564, MONDO:0011803, OMIM 607259.

gnomAD v4.1: 10 of 1,605,774 alleles (0.00062%); highest among the groups gnomAD compares: Non-Finnish European, 0.00085%; no homozygotes.

Submission:

Labcorp Genetics (formerly Invitae), Labcorp
Classification: Uncertain significance for Hereditary spastic paraplegia 7. Last evaluated: 2025-03-26. Review status: criteria provided, single submitter. Criteria: Invitae Variant Classification Sherloc (09022015). Collection method: clinical testing. Allele origin: germline.
Comment: This sequence change replaces phenylalanine, which is neutral and non-polar, with serine, which is neutral and polar, at codon 287 of the SPG7 protein (p.Phe287Ser). This variant is not present in population databases (gnomAD no frequency). This variant has not been reported in the literature in individuals affected with SPG7-related conditions. An algorithm developed to predict the effect of missense changes on protein structure and function (PolyPhen-2) suggests that this variant is likely to be disruptive. In summary, the available evidence is currently insufficient to determine the role of this variant in disease. Therefore, it has been classified as a Variant of Uncertain Significance.